The following is an entry in ClinVar:

NM_002907.4(RECQL):c.502-103G>C

Gene: RECQL (RecQ like helicase; minus strand). Cytogenetic location: 12p12.1.
Variant type: single nucleotide variant.
Coding change: c.502-103G>C on transcript NM_002907.4 (MANE Select); 103 bases into the intron before coding-DNA position 502, G replaced by C.
Molecular consequence: intron variant.
Genome position (GRCh38, 1-based): chr12:21,483,677, C>G on the plus strand (G>C on the coding strand, the complement: RECQL is on the minus strand). VCF-style: chr12-21483677-C-G. GRCh37 (hg19) VCF-style: chr12-21636611-C-G.
Other names: c.502-103G>C (NM_032941.3).
Identifiers: ClinVar variation 679776 (VCV000679776.1), dbSNP rs115615222, ClinGen allele CA233574697.
Genomic context (GRCh38, chr12:21,483,677, plus strand): 5'-CTAGCAGACTGAAATACTAGGTGGTAAATGAAAACGTTCATTTCTCCAAAGCAATAATAG[C>G]CTTTGGCTCTTCTAGGAGCAGATGTTTAGTTCATTAAAACTGAAACCATGTCTCAGTACG-3'

ClinVar aggregate classification (germline): Likely benign (1 of 4 stars; one submission).

Allele frequency attached by ClinVar (database versions not stated): TOPMed 0.01034; 1000 Genomes Project 0.01118; 1000 Genomes Project 30x 0.01202.

Submission:

GeneDx
Classification: Likely benign. Last evaluated: 2018-06-18. Review status: criteria provided, single submitter. Criteria: GeneDx Variant Classification (06012015). Collection method: clinical testing. Allele origin: germline. Affected: yes.
Comment: This variant is considered likely benign or benign based on one or more of the following criteria: it is a conservative change, it occurs at a poorly conserved position in the protein, it is predicted to be benign by multiple in silico algorithms, and/or has population frequency not consistent with disease.